The following is an entry in ClinVar:

ClinVar aggregate classification (germline): Pathogenic/Likely pathogenic. Review status: criteria provided, multiple submitters, no conflicts (2 of 4 stars). 5 submissions from 5 submitters: Pathogenic (2); Likely pathogenic (3). Last evaluated 2024-12-02.

Conditions:
Acyl-CoA dehydrogenase 9 deficiency. Also called: MITOCHONDRIAL COMPLEX I DEFICIENCY, NUCLEAR TYPE 20; Acyl-CoA dehydrogenase family, member 9, deficiency of. Identifiers: Orphanet 99901, MedGen C4747517, MONDO:0012624, OMIM 611126.
Mitochondrial complex I deficiency. Also called: NADH:Q(1) OXIDOREDUCTASE DEFICIENCY. Identifiers: Orphanet 2609, MedGen C1838979, MeSH C537475, MONDO:0100133.

gnomAD v4.1: 1 of 1,614,218 alleles (0.000062%); highest among the groups gnomAD compares: Non-Finnish European, 0.000085%; no homozygotes.

Submissions (5):

Natera, Inc.
Classification: Likely pathogenic for ACAD9 deficiency. Last evaluated: 2024-12-02. Review status: criteria provided, single submitter. Criteria: Natera Variant Classification Schema (03/2026). Collection method: clinical testing. Allele origin: germline.
Comment: The c.1240C>A variant in ACAD9 is a missense variant predicted to cause substitution of arginine to serine at amino acid 414. This variant is rare in the general population with a frequency below the threshold expected for the associated phenotype(s). This variant has been observed in one or more individuals affected with the associated recessive disease, as either homozygous or compound heterozygous with a second variant (PMID: 27233227). This variant has been observed to segregate in affected family members (PMID: 27233227). A different variant at the same position has been determined to be Pathogenic or Likely Pathogenic. Computational prediction algorithms indicate this variant is likely to affect gene or protein function. Given the available evidence, this variant is classified as Likely Pathogenic.

Fulgent Genetics
Classification: Likely pathogenic for Acyl-CoA dehydrogenase 9 deficiency. Last evaluated: 2024-03-27. Review status: criteria provided, single submitter. Criteria: ACMG Guidelines, 2015. Collection method: clinical testing. Allele origin: germline.

Women's Health and Genetics/Laboratory Corporation of America, LabCorp
Classification: Likely pathogenic for Mitochondrial complex I deficiency. Last evaluated: 2024-03-27. Review status: criteria provided, single submitter. Criteria: LabCorp Variant Classification Summary - May 2015. Collection method: clinical testing. Allele origin: germline.
Comment: Variant summary: ACAD9 c.1240C>A (p.Arg414Ser) results in a non-conservative amino acid change located in the Acyl-CoA dehydrogenase/oxidase, C-terminal domain (IPR009075) of the encoded protein sequence. Five of five in-silico tools predict a damaging effect of the variant on protein function. The variant allele was found at a frequency of 4e-06 in 251388 control chromosomes (gnomAD). c.1240C>A has been reported in the literature in individuals affected with Mitochondrial Complex I Deficiency (Dewulf_2016). These data indicate that the variant may be associated with disease. Another missense variant affecting the same amino acid has been determined to be pathogenic, suggesting this is a functionally important residue. To our knowledge, no experimental evidence demonstrating an impact on protein function has been reported. The following publication has been ascertained in the context of this evaluation (PMID: 27233227). ClinVar contains an entry for this variant (Variation ID: 1451120). Based on the evidence outlined above, the variant was classified as likely pathogenic.

Labcorp Genetics (formerly Invitae), Labcorp
Classification: Pathogenic. Last evaluated: 2024-03-01. Review status: criteria provided, single submitter. Criteria: Invitae Variant Classification Sherloc (09022015). Collection method: clinical testing. Allele origin: germline.
Comment: This sequence change replaces arginine, which is basic and polar, with serine, which is neutral and polar, at codon 414 of the ACAD9 protein (p.Arg414Ser). This variant is present in population databases (no rsID available, gnomAD 0.0009%). This missense change has been observed in individual(s) with mitochondrial complex I deficiency (PMID: 27233227). In at least one individual the data is consistent with being in trans (on the opposite chromosome) from a pathogenic variant. It has also been observed to segregate with disease in related individuals. ClinVar contains an entry for this variant (Variation ID: 1451120). Advanced modeling of protein sequence and biophysical properties (such as structural, functional, and spatial information, amino acid conservation, physicochemical variation, residue mobility, and thermodynamic stability) performed at Invitae indicates that this missense variant is expected to disrupt ACAD9 protein function with a positive predictive value of 80%. This variant disrupts the p.Arg414 amino acid residue in ACAD9. Other variant(s) that disrupt this residue have been determined to be pathogenic (PMID: 23836383, 27438479, 30025539). This suggests that this residue is clinically significant, and that variants that disrupt this residue are likely to be disease-causing. For these reasons, this variant has been classified as Pathogenic.

Baylor Genetics
Classification: Pathogenic for Acyl-CoA dehydrogenase 9 deficiency. Last evaluated: 2023-12-18. Review status: criteria provided, single submitter. Criteria: ACMG Guidelines, 2015. Collection method: clinical testing. Allele origin: unknown.

Literature cited by the submitters: PubMed 27233227 (cited by 3 submitters); PubMed 23836383 (cited by Labcorp Genetics (formerly Invitae), Labcorp); PubMed 27438479 (cited by Labcorp Genetics (formerly Invitae), Labcorp); PubMed 30025539 (cited by Labcorp Genetics (formerly Invitae), Labcorp).

NM_014049.5(ACAD9):c.1240C>A (p.Arg414Ser)

Gene: ACAD9 (acyl-CoA dehydrogenase family member 9; plus strand). Cytogenetic location: 3q21.3.
Variant type: single nucleotide variant.
Coding change: c.1240C>A on transcript NM_014049.5 (MANE Select); coding-DNA position 1240, C replaced by A.
Protein change: p.Arg414Ser; replaces arginine 414 with serine.
Molecular consequence: missense variant. On other transcripts: non-coding transcript variant (1).
Genome position (GRCh38, 1-based): chr3:128,906,211, C>A. VCF-style: chr3-128906211-C-A. GRCh37 (hg19) VCF-style: chr3-128625054-C-A.
Other names: c.1240C>A (NM_014049.4); short protein forms R414S.
Identifiers: ClinVar variation 1451120 (VCV001451120.12), dbSNP rs777282696, ClinGen allele CA354437211.
Genomic context (GRCh38, chr3:128,906,211, plus strand): 5'-GTGAGTGAGGCGCTGCAGATCCTCGGGGGCTTGGGCTACACAAGGGACTATCCGTACGAG[C>A]GCATACTGCGTGACACCCGCATCCTCCTCATCTTCGAGGTGAGTGGCCCCGCCACCAGCT-3'
Protein context (NP_054768.2, residues 404-424): LGYTRDYPYE[Arg414Ser]ILRDTRILLI